The following is an entry in ClinVar:

ClinVar aggregate classification (germline): Likely pathogenic (1 of 4 stars; one submission).

Submission:

GeneDx
Classification: Likely pathogenic. Last evaluated: 2025-10-09. Review status: criteria provided, single submitter. Criteria: GeneDx Variant Classification Process June 2021. Collection method: clinical testing. Allele origin: germline. Affected: yes.
Comment: Intronic variant directly or indirectly altering the +5 splice site in a gene for which loss of function is a known mechanism of disease, and splice predictors support a deleterious effect; Not observed at significant frequency in large population cohorts (gnomAD); Has not been previously published as pathogenic or benign to our knowledge

NM_194454.3(KRIT1):c.1146+4_1146+8del

Gene: KRIT1 (KRIT1 ankyrin repeat containing; minus strand). Cytogenetic location: 7q21.2.
Variant type: Deletion.
Coding change: c.1146+4_1146+8del on transcript NM_194454.3 (MANE Select); bases 4 to 8 of the intron after coding-DNA position 1146, 5 bases deleted (AGTTA; older notation c.1146+4_1146+8delAGTTA).
Molecular consequence: splice donor variant.
Genome position (GRCh38, 1-based): chr7:92,226,518-92,226,522, TAACT deleted on the plus strand (AGTTA on the coding strand, the reverse complement: KRIT1 is on the minus strand); deleting any 5 consecutive bases within chr7:92,226,518-92,226,524 gives the same sequence; the c. name uses the placement nearest the transcript's 3' end. VCF-style (leftmost placement, unchanged base first): chr7-92226517-ATAACT-A. GRCh37 (hg19) VCF-style: chr7-91855831-ATAACT-A.
Other names: c.1146+4_1146+8del (NM_001350672.1, NM_001350676.1, NM_001350673.1 and 26 more transcripts); c.1002+4_1002+8del (NM_001350669.1, NM_001013406.2, NM_001350670.1); c.432+4_432+8del (NM_001350671.1).
Identifiers: ClinVar variation 1193194 (VCV001193194.3), dbSNP rs2131525308, ClinGen allele CA2499219038.